The following is an entry in ClinVar:

ClinVar aggregate classification (germline): Uncertain significance. Review status: criteria provided, multiple submitters, no conflicts (2 of 4 stars). 4 submissions from 4 submitters: Uncertain significance (3). 1 of the submissions does not count toward it. Last evaluated 2025-06-25.

Conditions:
Polycystic kidney disease, adult type (PKD1). Also called: POLYCYSTIC KIDNEY DISEASE, ADULT, TYPE I; POLYCYSTIC KIDNEY DISEASE 1 WITH OR WITHOUT POLYCYSTIC LIVER DISEASE; Polycystic Kidney Disease 1, Autosomal Dominant; Polycystic kidney disease 1; Polycystic kidney disease 1, severe; Polycystic Kidney, Autosomal Dominant. Identifiers: MedGen C3149841, MONDO:0008263, OMIM 173900.

Submissions (4):

Victorian Clinical Genetics Services, Murdoch Childrens Research Institute
Classification: Uncertain significance for Polycystic kidney disease, adult type. Last evaluated: 2025-06-25. Review status: criteria provided, single submitter. Criteria: ACMG Guidelines, 2015. Collection method: clinical testing. Allele origin: germline. Affected: no.
Comment: This variant is classified as VUS-3B. Evidence in support of pathogenic classification: Variant is absent from gnomAD (v2, v3 and v4). Additional information: Variant is predicted to result in a missense amino acid change from phenylalanine to serine; This variant is heterozygous; This gene is associated with autosomal dominant disease. Polycystic kidney disease 1 (MIM#173900) is predominantly caused by monoallelic variants, with rare reports of biallelic variants causing disease (OMIM); Alternative amino acid change(s) at the same position are present in gnomAD (Highest allele count: v4: 2 heterozygote(s), 0 homozygote(s)); Previous evidence of pathogenicity for this variant is inconclusive. This variant has been classified as VUS by clinical laboratories in ClinVar, and is considered a VUS in the literature in an individual affected with ADPKD (DECIPHER, PMID: 35778421); No published segregation evidence has been identified for this variant; No published functional evidence has been identified for this variant; Another missense variant(s) comparable to the one identified in this case has inconclusive previous evidence for pathogenicity. p.(Phe694Tyr) has been reported in two individuals affected with ADPKD; however, the variant has been classified as either probably neutral or VUS (PMID: 24374109, 35778421); Variant is not located in an established domain, motif, hotspot or informative constraint region; Missense variant with inconclusive in silico prediction and uninformative conservation; Loss of function is a known mechanism of disease in this gene and is associated with polycystic kidney disease 1 (MIM#173900); Inheritance information for this variant is not currently available in this individual.

GeneDx
Classification: Uncertain significance. Last evaluated: 2023-03-20. Review status: criteria provided, single submitter. Criteria: GeneDx Variant Classification Process June 2021. Collection method: clinical testing. Allele origin: germline. Affected: yes.
Comment: Not observed at significant frequency in large population cohorts (gnomAD); In silico analysis supports that this missense variant has a deleterious effect on protein structure/function; This variant is associated with the following publications: (PMID: 35778421)

Fulgent Genetics
Classification: Uncertain significance for Polycystic kidney disease, adult type. Last evaluated: 2022-03-17. Review status: criteria provided, single submitter. Criteria: ACMG Guidelines, 2015. Collection method: clinical testing. Allele origin: unknown.

Biochemical Molecular Genetic Laboratory, King Abdulaziz Medical City
Classification: Uncertain significance for Polycystic kidney disease, adult type. Last evaluated: 2019-08-25. Review status: no assertion criteria provided. Collection method: clinical testing. Allele origin: germline. Affected: yes. Not counted in ClinVar's aggregate classification.

Literature cited by the submitters: PubMed 35778421 (cited by Victorian Clinical Genetics Services, Murdoch Childrens Research Institute); PubMed 24374109 (cited by Victorian Clinical Genetics Services, Murdoch Childrens Research Institute).

NM_001009944.3(PKD1):c.1781T>C (p.Phe594Ser)

Gene: PKD1 (polycystin 1, transient receptor potential channel interacting; minus strand). Cytogenetic location: 16p13.3.
Variant type: single nucleotide variant.
Coding change: c.1781T>C on transcript NM_001009944.3 (MANE Select); coding-DNA position 1781, T replaced by C.
Protein change: p.Phe594Ser; replaces phenylalanine 594 with serine.
Molecular consequence: missense variant.
Genome position (GRCh38, 1-based): chr16:2,116,060, A>G on the plus strand (T>C on the coding strand, the complement: PKD1 is on the minus strand). VCF-style: chr16-2116060-A-G. GRCh37 (hg19) VCF-style: chr16-2166061-A-G.
Other names: c.1781T>C, p.Phe594Ser (NM_000296.4); short protein forms F594S.
Identifiers: ClinVar variation 800836 (VCV000800836.5), dbSNP rs1596582702, ClinGen allele CA394391170.